The following is an entry in ClinVar:

NM_000218.3(KCNQ1):c.919del (p.Val307fs)

Gene: KCNQ1 (potassium voltage-gated channel subfamily Q member 1; plus strand). Cytogenetic location: 11p15.5.
Variant type: Deletion.
Coding change: c.919del on transcript NM_000218.3 (MANE Select); coding-DNA position 919, one base deleted (G; older notation c.919delG).
Protein change: p.Val307fs; shifts the reading frame from valine 307.
Molecular consequence: frameshift variant.
Genome position (GRCh38, 1-based): chr11:2,572,984, G deleted; the last of 6 consecutive G bases (chr11:2,572,979-2,572,984); deleting any one gives the same sequence. VCF-style (leftmost placement, unchanged base first): chr11-2572978-TG-T. GRCh37 (hg19) VCF-style: chr11-2594208-TG-T.
Other names: c.919delG, p.Val307Trpfs (NM_001406836.1); c.649delG, p.Val217Trpfs (NM_001406837.1); c.538delG, p.Val180Trpfs (NM_181798.2); short protein forms V307fs, V180fs.
Identifiers: ClinVar variation 1457672 (VCV001457672.11), dbSNP rs2133733071, ClinGen allele CA913188343.

ClinVar aggregate classification (germline): Pathogenic/Likely pathogenic. Review status: criteria provided, multiple submitters, no conflicts (2 of 4 stars). 3 submissions from 3 submitters: Pathogenic (2); Likely pathogenic (1). Last evaluated 2021-07-13.

Conditions:
Long QT syndrome (LQTS). Identifiers: MedGen C0023976, MeSH D008133, MONDO:0002442. Disease mechanism: loss of function. Inheritance: Various modes of inheritance.
Cardiovascular phenotype. Identifiers: MedGen CN230736.
Familial long QT syndrome (RWS). Also called: Romano-Ward syndrome; Congenital long QT syndrome; VENTRICULAR FIBRILLATION WITH PROLONGED QT INTERVAL. Identifiers: Orphanet 768, MedGen C1141890, MONDO:0019171.

Submissions (3):

Labcorp Genetics (formerly Invitae), Labcorp
Classification: Pathogenic for Long QT syndrome. Last evaluated: 2021-07-13. Review status: criteria provided, single submitter. Criteria: Invitae Variant Classification Sherloc (09022015). Collection method: clinical testing. Allele origin: germline.
Comment: For these reasons, this variant has been classified as Pathogenic. This premature translational stop signal has been observed in individual(s) with long QT syndrome (PMID: 26669661). This variant is not present in population databases (ExAC no frequency). This sequence change creates a premature translational stop signal (p.Val307Trpfs*47) in the KCNQ1 gene. It is expected to result in an absent or disrupted protein product. Loss-of-function variants in KCNQ1 are known to be pathogenic (PMID: 9323054, 19862833).

Ambry Genetics
Classification: Pathogenic for Cardiovascular phenotype. Last evaluated: 2019-02-12. Review status: criteria provided, single submitter. Criteria: Ambry Variant Classification Scheme 2023. Collection method: clinical testing. Allele origin: germline.
Comment: The c.919delG pathogenic mutation, located in coding exon 6 of the KCNQ1 gene, results from a deletion of one nucleotide at nucleotide position 919, causing a translational frameshift with a predicted alternate stop codon (p.V307Wfs*47). This alteration has been reported in association with long QT syndrome (LQTS) (Haugaa KH et al. Heart Rhythm, 2013 Dec;10:1877-83; Seethala S et al. J Am Heart Assoc, 2015 Dec;4; Itoh H et al. Eur. J. Hum. Genet., 2016 08;24:1160-6). In addition to the clinical data presented in the literature, this alteration is expected to result in loss of function by premature protein truncation or nonsense-mediated mRNA decay. As such, this alteration is interpreted as a disease-causing mutation.

Laboratory for Molecular Medicine, Mass General Brigham Personalized Medicine
Classification: Likely pathogenic for Familial long QT syndrome. Last evaluated: 2016-12-27. Review status: criteria provided, single submitter. Criteria: ACMG Guidelines, 2015. Collection method: clinical testing. Allele origin: germline. Inheritance: Autosomal dominant inheritance.
Comment: The p.Val307fs variant in KCNQ1 has not been previously reported in individuals with long QT syndrome and was absent from large population studies, though the ability of these studies to accurately detect indels may be limited. This variant is predicted to cause a frameshift, which alters the protein’s amino acid sequence beginning at position 307 and leads to a premature termination codon 47 amino acids downstream. This alteration is then predicted to lead to a truncated or absent protein. Heterozygous loss of function of the KCNQ1 gene is an established disease mechanism in Long QT syndrome. In summary, although additional studies are required to fully establish its clinical significance, the p.Val307fs variant is likely pathogenic.

Literature cited by the submitters: PubMed 26669661 (cited by Labcorp Genetics (formerly Invitae), Labcorp and Ambry Genetics); PubMed 9323054 (cited by Labcorp Genetics (formerly Invitae), Labcorp); PubMed 19862833 (cited by Labcorp Genetics (formerly Invitae), Labcorp); PubMed 24080067 (cited by Ambry Genetics); PubMed 26675252 (cited by Ambry Genetics).